The following is an entry in ClinVar:

ClinVar aggregate classification (germline): Benign (1 of 4 stars; one submission).

Conditions:
Familial cancer of breast. Also called: hereditary breast carcinoma; Hereditary breast cancer; BREAST CANCER, FAMILIAL. Identifiers: Orphanet 227535, MedGen C0346153, MONDO:0016419, OMIM 114480. Disease mechanism: loss of function.

Submission:

Myriad Genetics, Inc.
Classification: Benign for Familial cancer of breast. Last evaluated: 2024-07-18. Review status: criteria provided, single submitter. Criteria: Myriad Autosomal Dominant, Autosomal Recessive and X-Linked Classification Criteria (2023). Collection method: clinical testing. Allele origin: unknown.
Comment: This variant is considered benign. This variant is a silent/synonymous amino acid change and it is not expected to impact splicing.

NM_000465.4(BARD1):c.99C>A (p.Ala33=)

Gene: BARD1 (BRCA1 associated RING domain 1; minus strand). Cytogenetic location: 2q35.
Variant type: single nucleotide variant.
Coding change: c.99C>A on transcript NM_000465.4 (MANE Select); coding-DNA position 99, C replaced by A.
Protein change: p.Ala33=; no amino-acid change (alanine 33 retained).
Molecular consequence: synonymous variant. On other transcripts: non-coding transcript variant (3).
Genome position (GRCh38, 1-based): chr2:214,809,471, G>T on the plus strand (C>A on the coding strand, the complement: BARD1 is on the minus strand). VCF-style: chr2-214809471-G-T. GRCh37 (hg19) VCF-style: chr2-215674195-G-T.
Other names: c.99C>A, p.Ala33= (NM_001282543.2, NM_001282545.2, NM_001282548.2 and 1 more transcripts).
Identifiers: ClinVar variation 3378731 (VCV003378731.1).